The following is an entry in ClinVar:

NM_000593.6(TAP1):c.845-9A>G

Gene: TAP1 (transporter 1, ATP binding cassette subfamily B member; minus strand). Cytogenetic location: 6p21.32.
Variant type: single nucleotide variant.
Coding change: c.845-9A>G on transcript NM_000593.6 (MANE Select); 9 bases into the intron before coding-DNA position 845, A replaced by G.
Molecular consequence: intron variant.
Genome position (GRCh38, 1-based): chr6:32,851,158, T>C on the plus strand (A>G on the coding strand, the complement: TAP1 is on the minus strand). VCF-style: chr6-32851158-T-C. GRCh37 (hg19) VCF-style: chr6-32818935-T-C.
Other names: c.242-9A>G (NM_001292022.2).
Identifiers: ClinVar variation 1040967 (VCV001040967.8), dbSNP rs1770760116, ClinGen allele CA1619758511.

ClinVar aggregate classification (germline): Uncertain significance (1 of 4 stars; one submission).

Conditions:
MHC class I deficiency. Identifiers: Orphanet 34592, MedGen C6024714, MONDO:0011476.

Submission:

Labcorp Genetics (formerly Invitae), Labcorp
Classification: Uncertain significance for MHC class I deficiency 1. Last evaluated: 2020-08-30. Review status: criteria provided, single submitter. Criteria: Invitae Variant Classification Sherloc (09022015). Collection method: clinical testing. Allele origin: germline.
Comment: In summary, the available evidence is currently insufficient to determine the role of this variant in disease. Therefore, it has been classified as a Variant of Uncertain Significance. Algorithms developed to predict the effect of sequence changes on RNA splicing suggest that this variant may disrupt the consensus splice site, but this prediction has not been confirmed by published transcriptional studies. This variant has not been reported in the literature in individuals with TAP1-related conditions. This variant is not present in population databases (ExAC no frequency). This sequence change falls in intron 3 of the TAP1 gene. It does not directly change the encoded amino acid sequence of the TAP1 protein.